The following is an entry in ClinVar:

ClinVar aggregate classification (germline): Pathogenic (1 of 4 stars; one submission).

Conditions:
Familial thoracic aortic aneurysm and aortic dissection (TAAD). Also called: Thoracic aortic aneurysms and dissections. Identifiers: Orphanet 91387, MedGen C4707243, MONDO:0019625.
Hereditary cancer-predisposing syndrome. Also called: Tumor predisposition; Neoplastic Syndromes, Hereditary; Hereditary neoplastic syndrome; Hereditary Cancer Syndrome. Identifiers: Orphanet 140162, MedGen C0027672, MeSH D009386, MONDO:0015356.

Submission:

Ambry Genetics
Classification: Pathogenic for Hereditary cancer-predisposing syndrome; Familial thoracic aortic aneurysm and aortic dissection. Last evaluated: 2024-08-21. Review status: criteria provided, single submitter. Criteria: Ambry Variant Classification Scheme 2023. Collection method: clinical testing. Allele origin: germline.
Comment: The c.236_239delATGG pathogenic mutation, located in coding exon 1 of the SMAD4 gene, results from a deletion of 4 nucleotides at nucleotide positions 236 to 239, causing a translational frameshift with a predicted alternate stop codon (p.D79Gfs*14). This variant is considered to be rare based on population cohorts in the Genome Aggregation Database (gnomAD). This alteration is expected to result in loss of function by premature protein truncation or nonsense-mediated mRNA decay. As such, this alteration is interpreted as a disease-causing mutation.

NM_005359.6(SMAD4):c.236_239del (p.Asp79fs)

Gene: SMAD4 (SMAD family member 4; plus strand). Cytogenetic location: 18q21.2.
Variant type: Deletion.
Coding change: c.236_239del on transcript NM_005359.6 (MANE Select); coding-DNA positions 236 to 239, 4 bases deleted (ATGG; older notation c.236_239delATGG).
Protein change: p.Asp79fs; shifts the reading frame from aspartic acid 79.
Molecular consequence: frameshift variant. On other transcripts: non-coding transcript variant (2).
Genome position (GRCh38, 1-based): chr18:51,047,282-51,047,285, ATGG deleted; deleting any 4 consecutive bases within chr18:51,047,279-51,047,285 gives the same sequence; the c. name uses the placement nearest the transcript's 3' end. VCF-style (leftmost placement, unchanged base first): chr18-51047278-TTGGA-T. GRCh37 (hg19) VCF-style: chr18-48573648-TTGGA-T.
Other names: c.236_239del, p.Asp79fs (NM_001407041.1, NM_001407042.1, NM_001407043.1); short protein forms D79fs.
Identifiers: ClinVar variation 3445848 (VCV003445848.1).